The following is an entry in ClinVar:

ClinVar aggregate classification (germline): Uncertain significance (1 of 4 stars; one submission).

Allele frequency attached by ClinVar (database versions not stated): gnomAD exomes below 0.00001; TOPMed below 0.00001; gnomAD 0.00004.
gnomAD v4.1: 9 of 1,608,316 alleles (0.00056%); highest among the groups gnomAD compares: African/African-American, 0.012%; no homozygotes.

Submission:

Labcorp Genetics (formerly Invitae), Labcorp
Classification: Uncertain significance. Last evaluated: 2022-04-04. Review status: criteria provided, single submitter. Criteria: Invitae Variant Classification Sherloc (09022015). Collection method: clinical testing. Allele origin: germline.
Comment: In summary, the available evidence is currently insufficient to determine the role of this variant in disease. Therefore, it has been classified as a Variant of Uncertain Significance. Algorithms developed to predict the effect of missense changes on protein structure and function (SIFT, PolyPhen-2, Align-GVGD) all suggest that this variant is likely to be tolerated. This variant has not been reported in the literature in individuals affected with FNIP1-related conditions. This variant is present in population databases (no rsID available, gnomAD 0.01%). This sequence change replaces glycine, which is neutral and non-polar, with serine, which is neutral and polar, at codon 17 of the FNIP1 protein (p.Gly17Ser).

NM_133372.3(FNIP1):c.49G>A (p.Gly17Ser)

Genes: FNIP1 (folliculin interacting protein 1; minus strand), LOC129994555 (ATAC-STARR-seq lymphoblastoid silent region 16308; plus strand). Cytogenetic location: 5q31.1.
Variant type: single nucleotide variant.
Coding change: c.49G>A on transcript NM_133372.3 (MANE Select); coding-DNA position 49, G replaced by A.
Protein change: p.Gly17Ser; replaces glycine 17 with serine.
Molecular consequence: missense variant.
Genome position (GRCh38, 1-based): chr5:131,796,873, C>T on the plus strand (G>A on the coding strand, the complement: FNIP1 is on the minus strand). VCF-style: chr5-131796873-C-T. GRCh37 (hg19) VCF-style: chr5-131132566-C-T.
Other names: c.49G>A, p.Gly17Ser (NM_001008738.3, NM_001346113.2, NM_001346114.2); short protein forms G17S.
Identifiers: ClinVar variation 2194287 (VCV002194287.3), dbSNP rs972864369, ClinGen allele CA127841883.
Genomic context (GRCh38, chr5:131,796,873, plus strand): 5'-GCCCCACAGCGCCCTACCTGAACCCGCAATCTGGGTCCCGGGCGTCGCGGCCGGGCGCGC[C>T]CAGCCCGGTCCTCTTGCTGAAGAGCTTCTGGAACAGCGTAGGGGCCATGCTAGCCACGGC-3'
Protein context (NP_588613.3, residues 7-27): QKLFSKRTGL[Gly17Ser]APGRDARDPD